The following is an entry in ClinVar:

ClinVar aggregate classification (germline): Likely benign. Review status: criteria provided, multiple submitters, no conflicts (2 of 4 stars). 6 submissions from 5 submitters: Likely benign (5). 1 of the submissions does not count toward it. Last evaluated 2025-01-08.

Conditions:
Inborn genetic diseases. Identifiers: MedGen C0950123, MeSH D030342.
Seckel syndrome 1 (SCKL1). Also called: MICROCEPHALIC PRIMORDIAL DWARFISM I. Identifiers: Orphanet 808, MedGen C4551474, MONDO:0008869, OMIM 210600.
Familial cutaneous telangiectasia and oropharyngeal predisposition cancer syndrome. Identifiers: Orphanet 313846, MedGen C3281203, MONDO:0013806, OMIM 614564.
ATR-related disorder. Also called: ATR-related condition.

Allele frequency attached by ClinVar (database versions not stated): gnomAD exomes 0.00001 and 0.00003; ExAC 0.00002; TOPMed 0.00002; gnomAD 0.00005.
gnomAD v4.1: 51 of 1,613,834 alleles (0.0032%); highest among the groups gnomAD compares: Non-Finnish European, 0.0042%; no homozygotes.

Submissions (6):

Labcorp Genetics (formerly Invitae), Labcorp
Classification: Likely benign. Last evaluated: 2025-01-08. Review status: criteria provided, single submitter. Criteria: Invitae Variant Classification Sherloc (09022015). Collection method: clinical testing. Allele origin: germline.

Blueprint Genetics
Classification: Likely benign. Last evaluated: 2024-10-24. Review status: criteria provided, single submitter. Criteria: ACMG Guidelines, 2015. Collection method: clinical testing. Allele origin: germline.

Genome-Nilou Lab
Classification: Likely benign for Seckel syndrome 1. Last evaluated: 2023-02-08. Review status: criteria provided, single submitter. Criteria: ACMG Guidelines, 2015. Collection method: clinical testing. Allele origin: germline.

Genome-Nilou Lab
Classification: Likely benign for Familial cutaneous telangiectasia and oropharyngeal predisposition cancer syndrome. Last evaluated: 2023-02-08. Review status: criteria provided, single submitter. Criteria: ACMG Guidelines, 2015. Collection method: clinical testing. Allele origin: germline.

Ambry Genetics
Classification: Likely benign for Inborn genetic diseases. Last evaluated: 2022-03-29. Review status: criteria provided, single submitter. Criteria: Ambry Variant Classification Scheme 2023. Collection method: clinical testing. Allele origin: germline.

PreventionGenetics, part of Exact Sciences
Classification: Likely benign for ATR-related condition. Last evaluated: 2022-03-16. Review status: no assertion criteria provided. Collection method: clinical testing. Allele origin: germline. Not counted in ClinVar's aggregate classification.
Comment: This variant is classified as likely benign based on ACMG/AMP sequence variant interpretation guidelines (Richards et al. 2015 PMID: 25741868, with internal and published modifications).

NM_001184.4(ATR):c.1488C>T (p.Val496=)

Gene: ATR (ATR checkpoint kinase; minus strand). Cytogenetic location: 3q23.
Variant type: single nucleotide variant.
Coding change: c.1488C>T on transcript NM_001184.4 (MANE Select); coding-DNA position 1488, C replaced by T.
Protein change: p.Val496=; no amino-acid change (valine 496 retained).
Molecular consequence: synonymous variant. On other transcripts: intron variant (1).
Genome position (GRCh38, 1-based): chr3:142,560,316, G>A on the plus strand (C>T on the coding strand, the complement: ATR is on the minus strand). VCF-style: chr3-142560316-G-A. GRCh37 (hg19) VCF-style: chr3-142279158-G-A.
Other names: c.1350-875C>T (NM_001354579.2).
Identifiers: ClinVar variation 1547754 (VCV001547754.13), dbSNP rs774470632, ClinGen allele CA2650588.